The following is an entry in ClinVar:

NM_001166108.2(PALLD):c.140G>A (p.Arg47Gln)

Gene: PALLD (palladin, cytoskeletal associated protein; plus strand). Cytogenetic location: 4q32.3.
Variant type: single nucleotide variant.
Coding change: c.140G>A on transcript NM_001166108.2 (MANE Select); coding-DNA position 140, G replaced by A.
Protein change: p.Arg47Gln; replaces arginine 47 with glutamine.
Molecular consequence: missense variant.
Genome position (GRCh38, 1-based): chr4:168,511,644, G>A. VCF-style: chr4-168511644-G-A. GRCh37 (hg19) VCF-style: chr4-169432795-G-A.
Other names: p.R47Q:CGG>CAG; c.140G>A, p.Arg47Gln (NM_016081.4); short protein forms R47Q.
Identifiers: ClinVar variation 128098 (VCV000128098.6), dbSNP rs372582436, ClinGen allele CA288348.
Genomic context (GRCh38, chr4:168,511,644, plus strand): 5'-TCCCGGGCCTTTCTGCTTTCCTCAGCCAGGAAGAGATAAACAAGAGTCTTGACCTGGCCC[G>A]GAGAGCCATAGCCGACTCCGAAACAGAAGATTTTGACTCGGAAAAGGAGATCTCGCAGAT-3'
Protein context (NP_001159580.1, residues 37-57): EEINKSLDLA[Arg47Gln]RAIADSETED

ClinVar aggregate classification (germline): Uncertain significance. Review status: criteria provided, multiple submitters, no conflicts (2 of 4 stars). 3 submissions from 2 submitters: Uncertain significance (3). Last evaluated 2023-02-06.

Conditions:
Inborn genetic diseases. Identifiers: MedGen C0950123, MeSH D030342.
Hereditary cancer-predisposing syndrome. Also called: Neoplastic Syndromes, Hereditary; Hereditary Cancer Syndrome; Tumor predisposition; Hereditary neoplastic syndrome. Identifiers: Orphanet 140162, MedGen C0027672, MeSH D009386, MONDO:0015356.

Allele frequency attached by ClinVar (database versions not stated): ExAC 0.00002; gnomAD exomes 0.00004 and 0.00002; gnomAD 0.00016 and 0.00018; TOPMed 0.00028; ESP Exome Variant Server 0.00008.
gnomAD v4.1: 60 of 1,614,034 alleles (0.0037%); highest among the groups gnomAD compares: Admixed American, 0.025%; no homozygotes.

Submissions (3):

Ambry Genetics
Classification: Uncertain significance for Inborn genetic diseases. Last evaluated: 2023-02-06. Review status: criteria provided, single submitter. Criteria: Ambry General Variant Classification Scheme_2022. Collection method: clinical testing. Allele origin: germline.

Ambry Genetics
Classification: Uncertain significance for Hereditary cancer-predisposing syndrome. Last evaluated: 2022-09-24. Review status: criteria provided, single submitter. Criteria: Ambry General Variant Classification Scheme_2022. Collection method: clinical testing. Allele origin: germline. Observed: 1 variant allele.
Comment: The p.R47Q variant (also known as c.140G>A), located in coding exon 1 of the PALLD gene, results from a G to A substitution at nucleotide position 140. The arginine at codon 47 is replaced by glutamine, an amino acid with highly similar properties. This amino acid position is conserved. In addition, this alteration is predicted to be tolerated by in silico analysis. Since supporting evidence is limited at this time, the clinical significance of this alteration remains unclear.

GeneDx
Classification: Uncertain significance. Last evaluated: 2013-10-21. Review status: criteria provided, single submitter. Criteria: GeneDx Variant Classification (06012015). Collection method: clinical testing. Allele origin: germline. Affected: yes.
Comment: This variant is designated 140G>A at the cDNA level and Arg47Gln (R47Q) at the protein level resulting in the change of an Arginine to a Glutamine (CGG>CAG) in exon 2. This variant is a semi-conservative substitution of a positive polar amino acid for a neutral polar one, altering a position that is well conserved throughout evolution and is not located in a known functional domain. In silico analyses are inconsistent with regard to the effect this variant may have on protein structure and function. This variant has not, to our knowledge, been published in the literature as either a mutation or a benign polymorphism. PALLD Arg47Gln has not been observed at significant allele frequency in individuals of European and African American ancestry in the NHLBI Exome Variant Server, suggesting it is not a common benign variant in these populations. Therefore, based on the currently available information, cancer risks associated with this variant, and the PALLD gene, remain unclear. The variant is found in HEREDICANCER panel(s).